The following is an entry in ClinVar:

ClinVar aggregate classification (germline): Likely benign. Review status: criteria provided, multiple submitters, no conflicts (2 of 4 stars). 4 submissions from 4 submitters: Likely benign (3). 1 of the submissions does not count toward it. Last evaluated 2026-04-14.

Conditions:
CFTR-related disorder (CFTR-RD). Also called: CFTR-related condition; CFTR-related disorders. Identifiers: MedGen C5924204, MONDO:7770004.
Cystic fibrosis (CF). Also called: MUCOVISCIDOSIS. Identifiers: Orphanet 586, MedGen C0010674, MONDO:0009061, OMIM 219700. Disease mechanism: loss of function.

Allele frequency attached by ClinVar (database versions not stated): gnomAD exomes 0.00001; ExAC 0.00002; TOPMed 0.00002; gnomAD 0.00005.
gnomAD v4.1: 18 of 1,606,576 alleles (0.0011%); highest among the groups gnomAD compares: African/African-American, 0.021%; no homozygotes.

Submissions (4):

PreventionGenetics, part of Exact Sciences
Classification: Likely benign for CFTR-related condition. Last evaluated: 2026-04-14. Review status: criteria provided, single submitter. Criteria: ACMG Guidelines, 2015. Collection method: clinical testing. Allele origin: germline.
Comment: This variant is classified as likely benign based on ACMG/AMP sequence variant interpretation guidelines (Richards et al. 2015 PMID: 25741868, with internal and published modifications).

Labcorp Genetics (formerly Invitae), Labcorp
Classification: Likely benign for Cystic fibrosis. Last evaluated: 2025-10-07. Review status: criteria provided, single submitter. Criteria: Invitae Variant Classification Sherloc (09022015). Collection method: clinical testing. Allele origin: germline.

Ambry Genetics
Classification: Likely benign for Cystic fibrosis. Last evaluated: 2022-04-02. Review status: criteria provided, single submitter. Criteria: Ambry Variant Classification Scheme 2023. Collection method: clinical testing. Allele origin: germline.

Natera, Inc.
Classification: Likely benign for CFTR-related disorders. Last evaluated: 2017-11-15. Review status: no assertion criteria provided. Collection method: clinical testing. Allele origin: germline. Not counted in ClinVar's aggregate classification.

NM_000492.4(CFTR):c.66A>G (p.Pro22=)

Gene: CFTR (CF transmembrane conductance regulator; plus strand). Cytogenetic location: 7q31.2.
Variant type: single nucleotide variant.
Coding change: c.66A>G on transcript NM_000492.4 (MANE Select); coding-DNA position 66, A replaced by G.
Protein change: p.Pro22=; no amino-acid change (proline 22 retained).
Molecular consequence: synonymous variant.
Genome position (GRCh38, 1-based): chr7:117,504,265, A>G. VCF-style: chr7-117504265-A-G. GRCh37 (hg19) VCF-style: chr7-117144319-A-G.
Identifiers: ClinVar variation 416596 (VCV000416596.15), dbSNP rs748899228, ClinGen allele CA4450630.